The following is an entry in ClinVar:

NM_002227.4(JAK1):c.1791C>G (p.Ile597Met)

Genes: JAK1 (Janus kinase 1; minus strand), LOC126805749 (BRD4-independent group 4 enhancer GRCh37_chr1:65312286-65313485; plus strand). Cytogenetic location: 1p31.3.
Variant type: single nucleotide variant.
Coding change: c.1791C>G on transcript NM_002227.4 (MANE Select); coding-DNA position 1791, C replaced by G.
Protein change: p.Ile597Met; replaces isoleucine 597 with methionine.
Molecular consequence: missense variant.
Genome position (GRCh38, 1-based): chr1:64,847,640, G>C on the plus strand (C>G on the coding strand, the complement: JAK1 is on the minus strand). VCF-style: chr1-64847640-G-C. GRCh37 (hg19) VCF-style: chr1-65313323-G-C.
Other names: c.1791C>G, p.Ile597Met (NM_001320923.2, NM_001321852.2, NM_001321853.2 and 3 more transcripts); c.1788C>G, p.Ile596Met (NM_001321857.2); short protein forms I596M, I597M.
Identifiers: ClinVar variation 1447619 (VCV001447619.6), dbSNP rs758372896, ClinGen allele CA892834.

ClinVar aggregate classification (germline): Uncertain significance (1 of 4 stars; one submission).

Allele frequency attached by ClinVar (database versions not stated): ExAC 0.00001; gnomAD exomes 0.00001 and 0.00004; TOPMed 0.00005; gnomAD 0.00007.
gnomAD v4.1: 28 of 1,614,028 alleles (0.0017%); highest among the groups gnomAD compares: Admixed American, 0.035%; no homozygotes.

Submission:

Labcorp Genetics (formerly Invitae), Labcorp
Classification: Uncertain significance. Last evaluated: 2025-06-19. Review status: criteria provided, single submitter. Criteria: Invitae Variant Classification Sherloc (09022015). Collection method: clinical testing. Allele origin: germline.
Comment: This sequence change replaces isoleucine, which is neutral and non-polar, with methionine, which is neutral and non-polar, at codon 597 of the JAK1 protein (p.Ile597Met). This variant is present in population databases (rs758372896, gnomAD 0.04%). This variant has not been reported in the literature in individuals affected with JAK1-related conditions. ClinVar contains an entry for this variant (Variation ID: 1447619). Invitae Evidence Modeling of protein sequence and biophysical properties (such as structural, functional, and spatial information, amino acid conservation, physicochemical variation, residue mobility, and thermodynamic stability) has been performed for this missense variant. However, the output from this modeling did not meet the statistical confidence thresholds required to predict the impact of this variant on JAK1 protein function. In summary, the available evidence is currently insufficient to determine the role of this variant in disease. Therefore, it has been classified as a Variant of Uncertain Significance.